The following is an entry in ClinVar:

ClinVar aggregate classification (germline): Benign. Review status: reviewed by expert panel (3 of 4 stars). 38 submissions from 36 submitters: Benign (1). 37 of the submissions do not count toward it. Last evaluated 2015-01-12.

Conditions:
Wilms tumor 1 (WT1). Also called: Wilms tumor, somatic. Identifiers: Orphanet 654, MedGen CN033288, MONDO:0008679, OMIM 194070.
Medulloblastoma (MDB). Also called: Medulloblastoma, somatic; MEDULLOBLASTOMA PREDISPOSITION SYNDROME. Identifiers: Orphanet 616, MedGen C0025149, MeSH D008527, MONDO:0007959, OMIM 155255, HP:0002885.
Breast-ovarian cancer, familial, susceptibility to, 2 (BROVCA2). Also called: BRCA2 Hereditary Breast and Ovarian Cancer. Identifiers: Orphanet 145, MedGen C2675520, MONDO:0012933, OMIM 612555. Disease mechanism: loss of function.
Familial cancer of breast. Also called: Hereditary breast cancer; hereditary breast carcinoma; BREAST CANCER, FAMILIAL. Identifiers: Orphanet 227535, MedGen C0346153, MONDO:0016419, OMIM 114480. Disease mechanism: loss of function.
Glioma susceptibility 3 (GLM3). Also called: Glioblastoma 3. Identifiers: Orphanet 182067, Orphanet 360, MedGen C2751641, MONDO:0013093, OMIM 613029.
Pancreatic cancer, susceptibility to, 2. Identifiers: Orphanet 1333, MedGen C3150546, MONDO:0013235, OMIM 613347.
Prostate cancer. Also called: Malignant tumor of prostate. Identifiers: Orphanet 1331, MedGen C0376358, MONDO:0008315, HP:0012125.
Fanconi anemia complementation group D1. Also called: BRCA2-Related Fanconi Anemia. Identifiers: Orphanet 319462, MedGen C1838457, MONDO:0011584, OMIM 605724.
Hereditary cancer-predisposing syndrome. Also called: Neoplastic Syndromes, Hereditary; Hereditary neoplastic syndrome; Hereditary Cancer Syndrome; Tumor predisposition. Identifiers: Orphanet 140162, MedGen C0027672, MeSH D009386, MONDO:0015356.
BRCA2-related cancer predisposition. Identifiers: MedGen CN377758, MONDO:0700269.
Breast and/or ovarian cancer. Identifiers: MedGen CN221562.
Hereditary breast ovarian cancer syndrome. Also called: Hereditary breast and ovarian cancer syndrome (HBOC); Breast and ovarian cancer; BRCA1- and BRCA2-Associated Hereditary Breast and Ovarian Cancer; Hereditary breast and ovarian cancer syndrome; Hereditary breast and ovarian cancer; Hereditary breast and/or ovarian cancer syndrome. Identifiers: Orphanet 145, MedGen C0677776, MeSH D061325, MONDO:0003582. Disease mechanism: loss of function.
Malignant tumor of breast. Also called: Malignant breast neoplasm; Cancer breast. Identifiers: MedGen C0006142, MONDO:0007254. Disease mechanism: loss of function.

Allele frequency attached by ClinVar (database versions not stated): gnomAD exomes 0.00236 and 0.00084; 1000 Genomes Project 0.01038; gnomAD 0.00984 and 0.00910; ExAC 0.00304; ESP Exome Variant Server 0.01054; 1000 Genomes Project 30x 0.01062; TOPMed 0.01029.

Submissions 1 to 19 of 38:

Evidence-based Network for the Interpretation of Germline Mutant Alleles (ENIGMA)
Classification: Benign for Breast-ovarian cancer, familial 2. Last evaluated: 2015-01-12. Review status: reviewed by expert panel. Criteria: ENIGMA BRCA1/2 Classification Criteria (2015). Collection method: curation. Allele origin: germline.
Comment: Class 1 not pathogenic based on frequency >1% in an outbred sampleset. Frequency 0.03049 (African), derived from 1000 genomes (2012-04-30).

CeGaT Center for Human Genetics Tuebingen
Classification: Benign. Last evaluated: 2026-08-01. Review status: criteria provided, single submitter. Criteria: CeGaT Center For Human Genetics Tuebingen Variant Classification Criteria Version 2. Collection method: clinical testing. Allele origin: germline. Affected: yes. Observed: 8 variant alleles. Not counted in ClinVar's aggregate classification.
Comment: BRCA2: BP4, BS1, BS2

Labcorp Genetics (formerly Invitae), Labcorp
Classification: Benign for Hereditary breast ovarian cancer syndrome. Last evaluated: 2026-02-04. Review status: criteria provided, single submitter. Criteria: Invitae Variant Classification Sherloc (09022015). Collection method: clinical testing. Allele origin: germline. Not counted in ClinVar's aggregate classification.

ARUP Laboratories, Molecular Genetics and Genomics, ARUP Laboratories
Classification: Benign. Last evaluated: 2025-04-01. Review status: criteria provided, single submitter. Criteria: ARUP Molecular Germline Variant Investigation Process 2024. Collection method: clinical testing. Allele origin: germline. Not counted in ClinVar's aggregate classification.

Center for Genomic Medicine, Rigshospitalet, Copenhagen University Hospital
Classification: Benign. Last evaluated: 2025-03-04. Review status: criteria provided, single submitter. Criteria: ACMG Guidelines, 2015. Collection method: clinical testing. Allele origin: germline. Not counted in ClinVar's aggregate classification.

KCCC/NGS Laboratory, Kuwait Cancer Control Center
Classification: Benign for Familial cancer of breast. Last evaluated: 2025-02-01. Review status: criteria provided, single submitter. Criteria: ACMG Guidelines, 2015. Collection method: clinical testing. Allele origin: germline. Affected: no. Not counted in ClinVar's aggregate classification.

Blueprint Genetics
Classification: Benign. Last evaluated: 2024-11-25. Review status: criteria provided, single submitter. Criteria: ACMG Guidelines, 2015. Collection method: clinical testing. Allele origin: germline. Not counted in ClinVar's aggregate classification.

All of Us Research Program, National Institutes of Health
Classification: Benign for BRCA2-related cancer predisposition. Last evaluated: 2024-09-27. Review status: criteria provided, single submitter. Criteria: ACMG Guidelines, 2015. Collection method: clinical testing. Allele origin: germline. Inheritance: Autosomal dominant inheritance. Observed: 737 variant alleles, 727 heterozygotes, 9 homozygotes, 1 hemizygote. Not counted in ClinVar's aggregate classification.
Comment: This study involves interpretation of variants in research participants for the purpose of population health screening. Participant phenotype was not available at the time of variant classification. Additional details can be found in publication PMID: 35346344, PMCID: PMC8962531

KCCC/NGS Laboratory, Kuwait Cancer Control Center
Classification: Benign for Breast-ovarian cancer, familial, susceptibility to, 2. Last evaluated: 2023-07-07. Review status: criteria provided, single submitter. Criteria: ACMG Guidelines, 2015. Collection method: clinical testing. Allele origin: germline. Affected: yes. Not counted in ClinVar's aggregate classification.

National Health Laboratory Service, Universitas Academic Hospital and University of the Free State
Classification: Benign for Hereditary breast ovarian cancer syndrome. Last evaluated: 2022-04-19. Review status: criteria provided, single submitter. Criteria: ACMG Guidelines, 2015. Collection method: clinical testing. Allele origin: germline. Affected: yes. Observed: 53 variant alleles. Not counted in ClinVar's aggregate classification.

Fulgent Genetics
Classification: Benign for Familial cancer of breast; Medulloblastoma; Familial prostate cancer; Wilms tumor 1; Fanconi anemia complementation group D1; Breast-ovarian cancer, familial, susceptibility to, 2; Glioma susceptibility 3; Pancreatic cancer, susceptibility to, 2. Last evaluated: 2022-04-13. Review status: criteria provided, single submitter. Criteria: ACMG Guidelines, 2015. Collection method: clinical testing. Allele origin: unknown. Not counted in ClinVar's aggregate classification.

Genetics Program, Instituto Nacional de Cancer
Classification: Benign for Hereditary breast ovarian cancer syndrome. Last evaluated: 2021-11-01. Review status: criteria provided, single submitter. Criteria: ACMG Guidelines, 2015. Collection method: research. Allele origin: germline. Affected: yes. Not counted in ClinVar's aggregate classification.

Sema4
Classification: Benign for Hereditary cancer-predisposing syndrome. Last evaluated: 2020-03-24. Review status: criteria provided, single submitter. Criteria: Sema4 Curation Guidelines. Collection method: curation. Allele origin: germline. Not counted in ClinVar's aggregate classification.

Illumina Laboratory Services, Illumina
Classification: Benign for Fanconi anemia complementation group D1. Last evaluated: 2018-01-13. Review status: criteria provided, single submitter. Criteria: ICSL Variant Classification Criteria 13 December 2019. Collection method: clinical testing. Allele origin: germline. Not counted in ClinVar's aggregate classification.
Comment: This variant was observed in the ICSL laboratory as part of a predisposition screen in an ostensibly healthy population. It had not been previously curated by ICSL or reported in the Human Gene Mutation Database (HGMD: prior to June 1st, 2018), and was therefore a candidate for classification through an automated scoring system. Utilizing variant allele frequency, disease prevalence and penetrance estimates, and inheritance mode, an automated score was calculated to assess if this variant is too frequent to cause the disease. Based on the score and internal cut-off values, a variant classified as benign is not then subjected to further curation. The score for this variant resulted in a classification of benign for this disease.

Illumina Laboratory Services, Illumina
Classification: Benign for Breast-ovarian cancer, familial, susceptibility to, 2. Last evaluated: 2018-01-13. Review status: criteria provided, single submitter. Criteria: ICSL Variant Classification Criteria 13 December 2019. Collection method: clinical testing. Allele origin: germline. Not counted in ClinVar's aggregate classification.
Comment: the same text as in the submission from Illumina Laboratory Services, Illumina above.

Cancer Genetics and Genomics Laboratory, British Columbia Cancer Agency
Classification: Benign. Last evaluated: 2017-04-18. Review status: criteria provided, single submitter. Criteria: ACMG Guidelines, 2015. Collection method: clinical testing. Allele origin: germline. Study: The Canadian Open Genetics Repository (COGR). Not counted in ClinVar's aggregate classification.

PreventionGenetics, part of Exact Sciences
Classification: Benign. Last evaluated: 2017-04-13. Review status: criteria provided, single submitter. Criteria: ACMG Guidelines, 2015. Collection method: clinical testing. Allele origin: germline. Not counted in ClinVar's aggregate classification.

Baylor Genetics
Classification: Benign for Familial cancer of breast. Last evaluated: 2017-02-23. Review status: criteria provided, single submitter. Criteria: ACMG Guidelines, 2015. Collection method: clinical testing. Allele origin: germline. Inheritance: Autosomal dominant inheritance. Affected: no. Not counted in ClinVar's aggregate classification.

Molecular Genetics Laboratory, University of Michigan
Classification: Benign for Breast-ovarian cancer, familial, susceptibility to, 2. Last evaluated: 2016-04-21. Review status: criteria provided, single submitter. Criteria: ACMG Guidelines, 2015. Collection method: clinical testing. Allele origin: germline. Affected: yes. Not counted in ClinVar's aggregate classification.

NM_000059.4(BRCA2):c.7319A>G (p.His2440Arg)

Gene: BRCA2 (BRCA2 DNA repair associated; plus strand). Cytogenetic location: 13q13.1.
Variant type: single nucleotide variant.
Coding change: c.7319A>G on transcript NM_000059.4 (MANE Select); coding-DNA position 7319, A replaced by G.
Protein change: p.His2440Arg; replaces histidine 2440 with arginine.
Molecular consequence: missense variant.
Genome position (GRCh38, 1-based): chr13:32,355,172, A>G. VCF-style: chr13-32355172-A-G. GRCh37 (hg19) VCF-style: chr13-32929309-A-G.
Other names: 7547 A>G; NP_000050.3:p.His2440Arg; short protein forms H2440R.
Identifiers: ClinVar variation 41562 (VCV000041562.119), dbSNP rs4986860, ClinGen allele CA025028.